The following is an entry in ClinVar:

ClinVar aggregate classification (germline): Uncertain significance (1 of 4 stars; one submission).

Submission:

Women's Health and Genetics/Laboratory Corporation of America, LabCorp
Classification: Uncertain significance. Last evaluated: 2025-11-26. Review status: criteria provided, single submitter. Criteria: LabCorp Variant Classification Summary - May 2015. Collection method: clinical testing. Allele origin: germline.
Comment: Variant summary: EVC c.*15G>C is located in the untranslated mRNA region downstream of the termination codon. The variant was absent in 236022 control chromosomes. The available data on variant occurrences in the general population are insufficient to allow any conclusion about variant significance. To our knowledge, no occurrence of c.*15G>C in individuals affected with EVC-related conditions and no experimental evidence demonstrating its impact on protein function have been reported. No submitters have cited clinical-significance assessments for this variant to ClinVar. Based on the evidence outlined above, the variant was classified as uncertain significance.

NM_153717.3(EVC):c.*15G>C

Gene: EVC (EvC ciliary complex subunit 1; plus strand). Cytogenetic location: 4p16.2.
Variant type: single nucleotide variant.
Coding change: c.*15G>C on transcript NM_153717.3 (MANE Select); 15 bases downstream of the stop codon, G replaced by C.
Molecular consequence: 3 prime UTR variant.
Genome position (GRCh38, 1-based): chr4:5,811,052, G>C. VCF-style: chr4-5811052-G-C. GRCh37 (hg19) VCF-style: chr4-5812779-G-C.
Other names: c.*15G>C (NM_001306090.2).
Identifiers: ClinVar variation 4537178 (VCV004537178.1).